The following is an entry in ClinVar:

ClinVar aggregate classification (germline): Conflicting classifications of pathogenicity. Review status: criteria provided, conflicting classifications (1 of 4 stars). 7 submissions from 7 submitters: Uncertain significance (1); Benign (3); Likely benign (2). 1 of the submissions does not count toward it. Last evaluated 2025-10-14.

Conditions:
MYH14-related disorder. Also called: MYH14-related condition.
Autosomal dominant nonsyndromic hearing loss 4A. Also called: Deafness, autosomal dominant 4A. Identifiers: Orphanet 90635, MedGen C1833503, MONDO:0010915, OMIM 600652.

Allele frequency attached by ClinVar (database versions not stated): gnomAD 0.00002 and 0.00058; TOPMed 0.00014; gnomAD exomes 0.00089 and 0.00178; ExAC 0.00216; 1000 Genomes Project 30x 0.00250; 1000 Genomes Project 0.00300.
gnomAD v4.1: 1,396 of 1,612,592 alleles (0.087%); highest among the groups gnomAD compares: South Asian, 1.4%; 15 homozygotes.

Submissions (7):

Labcorp Genetics (formerly Invitae), Labcorp
Classification: Benign. Last evaluated: 2025-10-14. Review status: criteria provided, single submitter. Criteria: Invitae Variant Classification Sherloc (09022015). Collection method: clinical testing. Allele origin: germline.

Blueprint Genetics
Classification: Likely benign. Last evaluated: 2024-11-27. Review status: criteria provided, single submitter. Criteria: ACMG Guidelines, 2015. Collection method: clinical testing. Allele origin: germline.

CeGaT Center for Human Genetics Tuebingen
Classification: Likely benign. Last evaluated: 2024-07-01. Review status: criteria provided, single submitter. Criteria: CeGaT Center For Human Genetics Tuebingen Variant Classification Criteria Version 2. Collection method: clinical testing. Allele origin: germline. Affected: yes. Observed: 1 variant allele.
Comment: MYH14: BS1

GeneDx
Classification: Benign. Last evaluated: 2018-06-04. Review status: criteria provided, single submitter. Criteria: GeneDx Variant Classification (06012015). Collection method: clinical testing. Allele origin: germline. Affected: yes.
Comment: This variant is considered likely benign or benign based on one or more of the following criteria: it is a conservative change, it occurs at a poorly conserved position in the protein, it is predicted to be benign by multiple in silico algorithms, and/or has population frequency not consistent with disease.

Illumina Laboratory Services, Illumina
Classification: Benign for Autosomal dominant nonsyndromic hearing loss 4A. Last evaluated: 2018-01-13. Review status: criteria provided, single submitter. Criteria: ICSL Variant Classification Criteria 13 December 2019. Collection method: clinical testing. Allele origin: germline.
Comment: This variant was observed in the ICSL laboratory as part of a predisposition screen in an ostensibly healthy population. It had not been previously curated by ICSL or reported in the Human Gene Mutation Database (HGMD: prior to June 1st, 2018), and was therefore a candidate for classification through an automated scoring system. Utilizing variant allele frequency, disease prevalence and penetrance estimates, and inheritance mode, an automated score was calculated to assess if this variant is too frequent to cause the disease. Based on the score and internal cut-off values, a variant classified as benign is not then subjected to further curation. The score for this variant resulted in a classification of benign for this disease.

Laboratory for Molecular Medicine, Mass General Brigham Personalized Medicine
Classification: Uncertain significance. Last evaluated: 2013-02-07. Review status: criteria provided, single submitter. Criteria: LMM Criteria. Collection method: clinical testing. Allele origin: germline. Observed: 1 variant allele.
Comment: The Glu787Lys variant in MYH14 has not been reported in the literature nor previ ously identified by our laboratory. Computational analyses (biochemical amino ac id properties, conservation, AlignGVGD, PolyPhen2, and SIFT) do not provide stro ng support for or against an impact to the protein. Additional data is needed to determine the clinical significance of this variant.

PreventionGenetics, part of Exact Sciences
Classification: Benign for MYH14-related condition. Last evaluated: 2023-12-06. Review status: no assertion criteria provided. Collection method: clinical testing. Allele origin: germline. Not counted in ClinVar's aggregate classification.
Comment: This variant is classified as benign based on ACMG/AMP sequence variant interpretation guidelines (Richards et al. 2015 PMID: 25741868, with internal and published modifications).

NM_001145809.2(MYH14):c.2359G>A (p.Glu787Lys)

Gene: MYH14 (myosin heavy chain 14; plus strand). Cytogenetic location: 19q13.33.
Variant type: single nucleotide variant.
Coding change: c.2359G>A on transcript NM_001145809.2 (MANE Select); coding-DNA position 2359, G replaced by A.
Protein change: p.Glu787Lys; replaces glutamic acid 787 with lysine.
Molecular consequence: missense variant.
Genome position (GRCh38, 1-based): chr19:50,260,650, G>A. VCF-style: chr19-50260650-G-A. GRCh37 (hg19) VCF-style: chr19-50763907-G-A.
Other names: c.2260G>A, p.Glu754Lys (NM_001077186.2); c.2236G>A, p.Glu746Lys (NM_024729.4); short protein forms E787K, E746K, E754K.
Identifiers: ClinVar variation 44058 (VCV000044058.37), dbSNP rs397516628, ClinGen allele CA133480.